The following is an entry in ClinVar:

ClinVar aggregate classification (germline): Uncertain significance. Review status: criteria provided, multiple submitters, no conflicts (2 of 4 stars). 2 submissions from 2 submitters: Uncertain significance (2). Last evaluated 2025-06-18.

Conditions:
Familial thoracic aortic aneurysm and aortic dissection (TAAD). Also called: Thoracic aortic aneurysms and dissections. Identifiers: Orphanet 91387, MedGen C4707243, MONDO:0019625.

Submissions (2):

GeneDx
Classification: Uncertain significance. Last evaluated: 2025-06-18. Review status: criteria provided, single submitter. Criteria: GeneDx Variant Classification Process June 2021. Collection method: clinical testing. Allele origin: germline. Affected: yes.
Comment: Nonsense variant predicted to result in protein truncation or nonsense mediated decay in a gene or region of a gene for which loss of function is not a well-established mechanism of disease; Not observed at significant frequency in large population cohorts (gnomAD)

Ambry Genetics
Classification: Uncertain significance for Familial thoracic aortic aneurysm and aortic dissection. Last evaluated: 2022-06-07. Review status: criteria provided, single submitter. Criteria: Ambry Variant Classification Scheme 2023. Collection method: clinical testing. Allele origin: germline.
Comment: Loss of function has not been established as a mechanism of disease Based on insufficient or conflicting evidence, the clinical significance of this alteration remains unclear.

NM_003036.4(SKI):c.833C>A (p.Ser278Ter)

Gene: SKI (SKI proto-oncogene; plus strand). Cytogenetic location: 1p36.33.
Variant type: single nucleotide variant.
Coding change: c.833C>A on transcript NM_003036.4 (MANE Select); coding-DNA position 833, C replaced by A.
Protein change: p.Ser278Ter; replaces serine 278 with a stop codon.
Molecular consequence: nonsense.
Genome position (GRCh38, 1-based): chr1:2,229,599, C>A. VCF-style: chr1-2229599-C-A. GRCh37 (hg19) VCF-style: chr1-2161038-C-A.
Other names: short protein forms S278*.
Identifiers: ClinVar variation 2287639 (VCV002287639.3), dbSNP rs2527579666, ClinGen allele CA337955856.
Genomic context (GRCh38, chr1:2,229,599, plus strand): 5'-AGTTCGTGGTGCACTCGCACAAGGCCCTGGAGAACCGGACCTGCCACTGGGGCTTCGACT[C>A]GGCCAACTGGCGGGCCTACATCCTGCTGAGCCAGGATTACACGGGCAAGGAGGAGCAGGC-3'